The following is an entry in ClinVar:

ClinVar aggregate classification (germline): Uncertain significance (1 of 4 stars; one submission).

Conditions:
Inborn genetic diseases. Identifiers: MedGen C0950123, MeSH D030342.

Submission:

Ambry Genetics
Classification: Uncertain significance for Inborn genetic diseases. Last evaluated: 2025-05-19. Review status: criteria provided, single submitter. Criteria: Ambry Variant Classification Scheme 2023. Collection method: clinical testing. Allele origin: germline.
Comment: The p.R127C variant (also known as c.379C>T), located in coding exon 4 of the FANCG gene, results from a C to T substitution at nucleotide position 379. The arginine at codon 127 is replaced by cysteine, an amino acid with highly dissimilar properties. This amino acid position is conserved. In addition, this alteration is predicted to be tolerated by in silico analysis. Based on the available evidence, the clinical significance of this variant remains unclear.

NM_004629.2(FANCG):c.379C>T (p.Arg127Cys)

Gene: FANCG (FA complementation group G; minus strand). Cytogenetic location: 9p13.3.
Variant type: single nucleotide variant.
Coding change: c.379C>T on transcript NM_004629.2 (MANE Select); coding-DNA position 379, C replaced by T.
Protein change: p.Arg127Cys; replaces arginine 127 with cysteine.
Molecular consequence: missense variant.
Genome position (GRCh38, 1-based): chr9:35,078,272, G>A on the plus strand (C>T on the coding strand, the complement: FANCG is on the minus strand). VCF-style: chr9-35078272-G-A. GRCh37 (hg19) VCF-style: chr9-35078269-G-A.
Other names: short protein forms R127C.
Identifiers: ClinVar variation 4022527 (VCV004022527.1).